The following is an entry in ClinVar:

NM_000466.3(PEX1):c.1736T>A (p.Leu579Ter)

Gene: PEX1 (peroxisomal biogenesis factor 1; minus strand). Cytogenetic location: 7q21.2.
Variant type: single nucleotide variant.
Coding change: c.1736T>A on transcript NM_000466.3 (MANE Select); coding-DNA position 1736, T replaced by A.
Protein change: p.Leu579Ter; replaces leucine 579 with a stop codon.
Molecular consequence: nonsense.
Genome position (GRCh38, 1-based): chr7:92,507,061, A>T on the plus strand (T>A on the coding strand, the complement: PEX1 is on the minus strand). VCF-style: chr7-92507061-A-T. GRCh37 (hg19) VCF-style: chr7-92136375-A-T.
Other names: c.1736T>A, p.Leu579Ter (NM_001282677.2); c.1112T>A, p.Leu371Ter (NM_001282678.2); short protein forms L371*, L579*.
Identifiers: ClinVar variation 5011489 (VCV005011489.1).

ClinVar aggregate classification (germline): Pathogenic (1 of 4 stars; one submission).

Conditions:
Peroxisome biogenesis disorder. Identifiers: Orphanet 79189, MedGen C1832200, MONDO:0019234. Disease mechanism: loss of function.

Submission:

Myriad Genetics, Inc.
Classification: Pathogenic for Peroxisome biogenesis disorder. Last evaluated: 2023-08-29. Review status: criteria provided, single submitter. Criteria: Myriad Autosomal Dominant, Autosomal Recessive and X-Linked Classification Criteria (2023). Collection method: clinical testing. Allele origin: unknown.
Comment: NM_000466.2(PEX1):c.1736T>A(L579*) is expected to be pathogenic in the context of peroxisome biogenesis disorder type 1. This variant is predicted to lead to an abnormal or absent protein product due to the creation of a premature termination codon in PEX1, a gene where loss-of-function variants are known to be pathogenic. Please note: this variant was assessed in the context of healthy population screening.